The following is an entry in ClinVar:

NM_014915.3(ANKRD26):c.775C>G (p.Pro259Ala)

Gene: ANKRD26 (ankyrin repeat domain 26; minus strand). Cytogenetic location: 10p12.1.
Variant type: single nucleotide variant.
Coding change: c.775C>G on transcript NM_014915.3 (MANE Select); coding-DNA position 775, C replaced by G.
Protein change: p.Pro259Ala; replaces proline 259 with alanine.
Molecular consequence: missense variant.
Genome position (GRCh38, 1-based): chr10:27,079,127, G>C on the plus strand (C>G on the coding strand, the complement: ANKRD26 is on the minus strand). VCF-style: chr10-27079127-G-C. GRCh37 (hg19) VCF-style: chr10-27368056-G-C.
Other names: c.775C>G, p.Pro259Ala (NM_001256053.2); short protein forms P259A.
Identifiers: ClinVar variation 4797455 (VCV004797455.1).

ClinVar aggregate classification (germline): Uncertain significance (1 of 4 stars; one submission).

Submission:

Labcorp Genetics (formerly Invitae), Labcorp
Classification: Uncertain significance. Last evaluated: 2025-12-01. Review status: criteria provided, single submitter. Criteria: Invitae Variant Classification Sherloc (09022015). Collection method: clinical testing. Allele origin: germline.
Comment: This sequence change replaces proline, which is neutral and non-polar, with alanine, which is neutral and non-polar, at codon 259 of the ANKRD26 protein (p.Pro259Ala). This variant is not present in population databases (gnomAD no frequency). This variant has not been reported in the literature in individuals affected with ANKRD26-related conditions. An algorithm developed to predict the effect of missense changes on protein structure and function (PolyPhen-2) suggests that this variant is likely to be disruptive. In summary, the available evidence is currently insufficient to determine the role of this variant in disease. Therefore, it has been classified as a Variant of Uncertain Significance.